The following is an entry in ClinVar:

NM_004260.4(RECQL4):c.1178G>T (p.Gly393Val)

Gene: RECQL4 (RecQ like helicase 4; minus strand). Cytogenetic location: 8q24.3.
Variant type: single nucleotide variant.
Coding change: c.1178G>T on transcript NM_004260.4 (MANE Select); coding-DNA position 1178, G replaced by T.
Protein change: p.Gly393Val; replaces glycine 393 with valine.
Molecular consequence: missense variant.
Genome position (GRCh38, 1-based): chr8:144,515,844, C>A on the plus strand (G>T on the coding strand, the complement: RECQL4 is on the minus strand). VCF-style: chr8-144515844-C-A. GRCh37 (hg19) VCF-style: chr8-145741228-C-A.
Other names: c.1178G>T (NM_004260.3); c.1082G>T, p.Gly361Val (NM_001413017.1, NM_001413020.1); c.1178G>T, p.Gly393Val (NM_001413018.1, NM_001413019.1, NM_001413033.1 and 2 more transcripts); c.107G>T, p.Gly36Val (NM_001413021.1, NM_001413022.1, NM_001413023.1 and 8 more transcripts); c.1049G>T, p.Gly350Val (NM_001413025.1); c.45G>T, p.Trp15Cys (NM_001413027.1, NM_001413030.1, NM_001413031.1 and 2 more transcripts); c.827G>T, p.Gly276Val (NM_001413029.1); short protein forms G350V, G36V, G276V, W15C, G361V, G393V.
Identifiers: ClinVar variation 1994236 (VCV001994236.5), dbSNP rs2130713228, ClinGen allele CA372687663.
Genomic context (GRCh38, chr8:144,515,844, plus strand): 5'-GCCCAGTGATCGAACTGCTCGTTCAGGAAACAAGACTCCTTGGTTGTGACTGTGGCACCA[C>A]CACCCCCAAAACACTCCCCTTTCTTCCGCCACTTCTGCTTCCATGCCTGGGGGGTGCCCA-3'
Protein context (NP_004251.4, residues 383-403): WRKKGECFGG[Gly393Val]GATVTTKESC

ClinVar aggregate classification (germline): Uncertain significance. Review status: criteria provided, multiple submitters, no conflicts (2 of 4 stars). 2 submissions from 2 submitters: Uncertain significance (2). Last evaluated 2024-12-07.

Conditions:
Baller-Gerold syndrome (BGS). Also called: CRANIOSYNOSTOSIS WITH RADIAL DEFECTS. Identifiers: Orphanet 1225, MedGen C0265308, MONDO:0009039, OMIM 218600.
Inborn genetic diseases. Identifiers: MedGen C0950123, MeSH D030342.

Submissions (2):

Ambry Genetics
Classification: Uncertain significance for Inborn genetic diseases. Last evaluated: 2024-12-07. Review status: criteria provided, single submitter. Criteria: Ambry Variant Classification Scheme 2023. Collection method: clinical testing. Allele origin: germline.
Comment: The p.G393V variant (also known as c.1178G>T), located in coding exon 6 of the RECQL4 gene, results from a G to T substitution at nucleotide position 1178. The glycine at codon 393 is replaced by valine, an amino acid with dissimilar properties. This amino acid position is conserved. In addition, this alteration is predicted to be tolerated by in silico analysis. Based on the available evidence, the clinical significance of this variant remains unclear.

Labcorp Genetics (formerly Invitae), Labcorp
Classification: Uncertain significance for Baller-Gerold syndrome. Last evaluated: 2024-10-14. Review status: criteria provided, single submitter. Criteria: Invitae Variant Classification Sherloc (09022015). Collection method: clinical testing. Allele origin: germline.
Comment: This sequence change replaces glycine, which is neutral and non-polar, with valine, which is neutral and non-polar, at codon 393 of the RECQL4 protein (p.Gly393Val). This variant is not present in population databases (gnomAD no frequency). This variant has not been reported in the literature in individuals affected with RECQL4-related conditions. ClinVar contains an entry for this variant (Variation ID: 1994236). Invitae Evidence Modeling of protein sequence and biophysical properties (such as structural, functional, and spatial information, amino acid conservation, physicochemical variation, residue mobility, and thermodynamic stability) indicates that this missense variant is not expected to disrupt RECQL4 protein function with a negative predictive value of 80%. In summary, the available evidence is currently insufficient to determine the role of this variant in disease. Therefore, it has been classified as a Variant of Uncertain Significance.